The following is an entry in ClinVar:

GRCh37/hg19 2q35(chr2:215546768-215623390)x1

Gene: BARD1 (BRCA1 associated RING domain 1; minus strand). Cytogenetic location: 2q35.
Variant type: copy number loss.
Change: copy number 1 (one copy instead of two) of chr2:215,546,768-215,623,390 (76.6 kb, GRCh37 coordinates, 1-based), cytogenetic band 2q35.
Identifiers: ClinVar variation 4682548 (VCV004682548.1).

ClinVar aggregate classification (germline): Pathogenic (1 of 4 stars; one submission).

Submission:

Quest Diagnostics Nichols Institute San Juan Capistrano
Classification: Pathogenic. Last evaluated: 2025-05-16. Review status: criteria provided, single submitter. Criteria: ACMG/ClinGen CNV Guidelines, 2019. Collection method: clinical testing. Allele origin: unknown.
Comment: The 2q35 deletion involves multiple exons (NM_000465.4) of the 3' portion of BARD1 (OMIM 601593). Haploinsufficiency of BARD1 is associated with a susceptibility to autosomal dominant hereditary breast cancer (OMIM 114480, CCID:006733) as well as other cancer types (CCID:008363). Heterozygous germline deletions have been reported in individuals with hereditary breast and/or ovarian cancer (Carter 2018, Ofverholm 2023, Rofes 2021) and colorectal cancer (Carrera 2023, Dennis 2024). There are no similar copy number losses of this region in the general populations of the Database of Genomic Variants. Therefore, based on current medical literature, this copy number variant (CNV) is classified as pathogenic. References: Carrera et al., Hered Cancer Clin Pract. 2023 Jan 28;21(1):2. PMID: 36709314 Carter et al., Gynecol Oncol. 2018 Dec;151(3):481-488. PMID: 30322717 Dennis et al., Front Immunol. 2024 Jan 29:15:1322187. PMID: 38348036 Ofverholm et al., BMC Cancer. 2023 Aug 10;23(1):738. PMID: 37563628 Rofes et al., Genes (Basel). 2021 Jan 23;12(2):150. PMID: 33498765